The following is an entry in ClinVar:

NM_002471.4(MYH6):c.4669G>A (p.Glu1557Lys)

Genes: MYH6 (myosin heavy chain 6; minus strand), LOC126861896 (BRD4-independent group 4 enhancer GRCh37_chr14:23854904-23856103; plus strand). Cytogenetic location: 14q11.2.
Variant type: single nucleotide variant.
Coding change: c.4669G>A on transcript NM_002471.4 (MANE Select); coding-DNA position 4669, G replaced by A.
Protein change: p.Glu1557Lys; replaces glutamic acid 1557 with lysine.
Molecular consequence: missense variant.
Genome position (GRCh38, 1-based): chr14:23,386,605, C>T on the plus strand (G>A on the coding strand, the complement: MYH6 is on the minus strand). VCF-style: chr14-23386605-C-T. GRCh37 (hg19) VCF-style: chr14-23855814-C-T.
Other names: short protein forms E1557K.
Identifiers: ClinVar variation 844930 (VCV000844930.10), dbSNP rs768283362, ClinGen allele CA7114670.
Genomic context (GRCh38, chr14:23,386,605, plus strand): 5'-TCCGCTCGATCTCTGCCTTGATCTGGTTGAACTCTAGCTGGGCCCGGAGGATCTTGCCCT[C>T]CTCGTGCTCCAGGGAGGCCTGGGAAGGGGTGGGGCGAGGGCGGGCAGACAGGGCACAGGG-3'
Protein context (NP_002462.2, residues 1547-1567): EEAEASLEHE[Glu1557Lys]GKILRAQLEF

ClinVar aggregate classification (germline): Uncertain significance (1 of 4 stars; one submission).

Conditions:
Hypertrophic cardiomyopathy 14. Identifiers: MedGen C2750467, MONDO:0013197, OMIM 613251.

Allele frequency attached by ClinVar (database versions not stated): ExAC 0.00001; gnomAD exomes 0.00001 and 0.00002.
gnomAD v4.1: 7 of 1,610,994 alleles (0.00043%); highest among the groups gnomAD compares: Admixed American, 0.0083%; no homozygotes.

Submission:

Labcorp Genetics (formerly Invitae), Labcorp
Classification: Uncertain significance for Hypertrophic cardiomyopathy 14. Last evaluated: 2024-09-26. Review status: criteria provided, single submitter. Criteria: Invitae Variant Classification Sherloc (09022015). Collection method: clinical testing. Allele origin: germline.
Comment: This sequence change replaces glutamic acid, which is acidic and polar, with lysine, which is basic and polar, at codon 1557 of the MYH6 protein (p.Glu1557Lys). This variant is present in population databases (rs768283362, gnomAD 0.01%). This variant has not been reported in the literature in individuals affected with MYH6-related conditions. ClinVar contains an entry for this variant (Variation ID: 844930). Invitae Evidence Modeling of protein sequence and biophysical properties (such as structural, functional, and spatial information, amino acid conservation, physicochemical variation, residue mobility, and thermodynamic stability) indicates that this missense variant is expected to disrupt MYH6 protein function with a positive predictive value of 80%. In summary, the available evidence is currently insufficient to determine the role of this variant in disease. Therefore, it has been classified as a Variant of Uncertain Significance.